The following is an entry in ClinVar:

NM_032119.4(ADGRV1):c.8842G>C (p.Ala2948Pro)

Gene: ADGRV1 (adhesion G protein-coupled receptor V1; plus strand). Cytogenetic location: 5q14.3.
Variant type: single nucleotide variant.
Coding change: c.8842G>C on transcript NM_032119.4 (MANE Select); coding-DNA position 8842, G replaced by C.
Protein change: p.Ala2948Pro; replaces alanine 2948 with proline.
Molecular consequence: missense variant. On other transcripts: non-coding transcript variant (1).
Genome position (GRCh38, 1-based): chr5:90,710,998, G>C. VCF-style: chr5-90710998-G-C. GRCh37 (hg19) VCF-style: chr5-90006815-G-C.
Other names: short protein forms A2948P.
Identifiers: ClinVar variation 1447749 (VCV001447749.7), dbSNP rs369777874, ClinGen allele CA360395216.
Genomic context (GRCh38, chr5:90,710,998, plus strand): 5'-ATCATTTATATGTATTTTAAGATATGCTTCTATGTTTTTTAAGATTCAGAAGGTTTGACT[G>C]CACAAGTTATTATTGATGCCAATGATGGGGCCCGAGGTGTAATTGAATGGCAACAAAGCA-3'
Protein context (NP_115495.3, residues 2938-2958): PPRLDSEGLT[Ala2948Pro]QVIIDANDGA

ClinVar aggregate classification (germline): Uncertain significance. Review status: criteria provided, multiple submitters, no conflicts (2 of 4 stars). 2 submissions from 2 submitters: Uncertain significance (2). Last evaluated 2025-03-10.

gnomAD v4.1: 3 of 1,607,742 alleles (0.00019%); highest among the groups gnomAD compares: Non-Finnish European, 0.00026%; no homozygotes.

Submissions (2):

Labcorp Genetics (formerly Invitae), Labcorp
Classification: Uncertain significance. Last evaluated: 2025-03-10. Review status: criteria provided, single submitter. Criteria: Invitae Variant Classification Sherloc (09022015). Collection method: clinical testing. Allele origin: germline.
Comment: This sequence change replaces alanine, which is neutral and non-polar, with proline, which is neutral and non-polar, at codon 2948 of the ADGRV1 protein (p.Ala2948Pro). This variant is not present in population databases (gnomAD no frequency). This variant has not been reported in the literature in individuals affected with ADGRV1-related conditions. ClinVar contains an entry for this variant (Variation ID: 1447749). Invitae Evidence Modeling of protein sequence and biophysical properties (such as structural, functional, and spatial information, amino acid conservation, physicochemical variation, residue mobility, and thermodynamic stability) has been performed for this missense variant. However, the output from this modeling did not meet the statistical confidence thresholds required to predict the impact of this variant on ADGRV1 protein function. In summary, the available evidence is currently insufficient to determine the role of this variant in disease. Therefore, it has been classified as a Variant of Uncertain Significance.

Blueprint Genetics
Classification: Uncertain significance. Last evaluated: 2022-01-18. Review status: criteria provided, single submitter. Criteria: ACMG Guidelines, 2015. Collection method: clinical testing. Allele origin: germline.